The following is an entry in ClinVar:

ClinVar aggregate classification (germline): Conflicting classifications of pathogenicity. Review status: criteria provided, conflicting classifications (1 of 4 stars). 3 submissions from 3 submitters: Uncertain significance (1); Likely benign (2). Last evaluated 2025-01-29.

Conditions:
Autosomal recessive limb-girdle muscular dystrophy type 2J (LGMDR10). Also called: MUSCULAR DYSTROPHY, LIMB-GIRDLE, AUTOSOMAL RECESSIVE 10; Limb-girdle muscular dystrophy, type 2J. Identifiers: Orphanet 140922, MedGen C1837342, MONDO:0012127, OMIM 608807.
Dilated cardiomyopathy 1G (CMD1G). Identifiers: Orphanet 154, MedGen C1858763, MONDO:0011400, OMIM 604145.

Allele frequency attached by ClinVar (database versions not stated): gnomAD exomes below 0.00001; TOPMed 0.00001.
gnomAD v4.1: 2 of 1,612,580 alleles (0.00012%); highest among the groups gnomAD compares: Admixed American, 0.0017%; no homozygotes.

Submissions (3):

Labcorp Genetics (formerly Invitae), Labcorp
Classification: Likely benign for Dilated cardiomyopathy 1G; Autosomal recessive limb-girdle muscular dystrophy type 2J. Last evaluated: 2025-01-29. Review status: criteria provided, single submitter. Criteria: Invitae Variant Classification Sherloc (09022015). Collection method: clinical testing. Allele origin: germline.

Eurofins Ntd Llc (ga)
Classification: Uncertain significance. Last evaluated: 2018-03-01. Review status: criteria provided, single submitter. Criteria: EGL ClinVar v180209 classification definitions. Collection method: clinical testing. Allele origin: germline. Observed: 1 variant allele, 1 heterozygote.

GeneDx
Classification: Likely benign. Last evaluated: 2018-02-22. Review status: criteria provided, single submitter. Criteria: GeneDx Variant Classification (06012015). Collection method: clinical testing. Allele origin: germline. Affected: yes.
Comment: This variant is considered likely benign or benign based on one or more of the following criteria: it is a conservative change, it occurs at a poorly conserved position in the protein, it is predicted to be benign by multiple in silico algorithms, and/or has population frequency not consistent with disease.

NM_001267550.2(TTN):c.52290T>C (p.Tyr17430=)

Genes: TTN-AS1 (TTN antisense RNA 1; plus strand), TTN (titin; minus strand). Cytogenetic location: 2q31.2.
Variant type: single nucleotide variant.
Coding change: c.52290T>C on transcript NM_001267550.2 (MANE Select); coding-DNA position 52290, T replaced by C.
Protein change: p.Tyr17430=; no amino-acid change (tyrosine 17430 retained).
Molecular consequence: synonymous variant.
Genome position (GRCh38, 1-based): chr2:178,608,721, A>G on the plus strand (T>C on the coding strand, the complement: TTN is on the minus strand). VCF-style: chr2-178608721-A-G. GRCh37 (hg19) VCF-style: chr2-179473448-A-G.
Other names: c.47367T>C, p.Tyr15789= (NM_001256850.1); c.25095T>C, p.Tyr8365= (NM_003319.4); c.44586T>C, p.Tyr14862= (NM_133378.4); c.25470T>C, p.Tyr8490= (NM_133432.3); c.25671T>C, p.Tyr8557= (NM_133437.4).
Identifiers: ClinVar variation 515778 (VCV000515778.9), dbSNP rs990974705, ClinGen allele CA60982954.